The following is an entry in ClinVar:

NM_001379500.1(COL18A1):c.107-11466C>T

Gene: COL18A1 (collagen type XVIII alpha 1 chain; plus strand). Cytogenetic location: 21q22.3.
Variant type: single nucleotide variant.
Coding change: c.107-11466C>T on transcript NM_001379500.1 (MANE Select); 11466 bases into the intron before coding-DNA position 107, C replaced by T.
Molecular consequence: intron variant. On other transcripts: nonsense (1).
Genome position (GRCh38, 1-based): chr21:45,456,776, C>T. VCF-style: chr21-45456776-C-T. GRCh37 (hg19) VCF-style: chr21-46876690-C-T.
Other names: c.1246C>T (NM_130444.2); c.1246C>T, p.Gln416Ter (NM_130444.3); c.646+600C>T (NM_030582.4); short protein forms Q416*.
Identifiers: ClinVar variation 4946589 (VCV004946589.2).

ClinVar aggregate classification (germline): Uncertain significance. Review status: criteria provided, multiple submitters, no conflicts (2 of 4 stars). 2 submissions from 2 submitters: Uncertain significance (2). Last evaluated 2026-06-05.

Conditions:
COL18A1-related disorder. Also called: COL18A1-related condition; COL18A1-related disorders.

gnomAD v4.1: 46 of 1,542,764 alleles (0.003%); highest among the groups gnomAD compares: Non-Finnish European, 0.0038%; no homozygotes.

Submissions (2):

PreventionGenetics, part of Exact Sciences
Classification: Uncertain significance for COL18A1-related condition. Last evaluated: 2026-06-05. Review status: criteria provided, single submitter. Criteria: ACMG Guidelines, 2015. Collection method: clinical testing. Allele origin: germline.
Comment: The COL18A1 c.1246C>T variant is predicted to result in premature protein termination (p.Gln416*). To our knowledge, this variant has not been reported in the literature. In alternate transcript NM_130445, this variant is deep intronic, denoted as c.107-11466C>T. This deep intronic variant is not predicted to alter splicing (SpliceAI, Jaganathan et al. 2019. PubMed ID: 30661751). This variant is reported in 0.0042% of alleles in individuals of European (Non-Finnish) descent in gnomAD. At this time, the clinical significance of this variant is uncertain due to the absence of conclusive functional and genetic evidence.

Blueprint Genetics
Classification: Uncertain significance. Last evaluated: 2021-05-14. Review status: criteria provided, single submitter. Criteria: ACMG Guidelines, 2015. Collection method: clinical testing. Allele origin: germline.